The following is an entry in ClinVar:

NM_153766.3(KCNJ1):c.-6G>T

Gene: KCNJ1 (potassium inwardly rectifying channel subfamily J member 1; minus strand). Cytogenetic location: 11q24.3.
Variant type: single nucleotide variant.
Coding change: c.-6G>T on transcript NM_153766.3 (MANE Select); 6 bases upstream of the start codon, G replaced by T.
Molecular consequence: 5 prime UTR variant. On other transcripts: nonsense (2).
Genome position (GRCh38, 1-based): chr11:128,840,249, C>A on the plus strand (G>T on the coding strand, the complement: KCNJ1 is on the minus strand). VCF-style: chr11-128840249-C-A. GRCh37 (hg19) VCF-style: chr11-128710144-C-A.
Other names: c.52G>T, p.Glu18Ter (NM_000220.6); c.-6G>T (NM_153764.3, NM_153767.4); c.46G>T, p.Glu16Ter (NM_153765.3); short protein forms E18*, E16*.
Identifiers: ClinVar variation 2821892 (VCV002821892.3), dbSNP rs2038460623, ClinGen allele CA383248358.

ClinVar aggregate classification (germline): Pathogenic (1 of 4 stars; one submission).

Allele frequency attached by ClinVar (database versions not stated): TOPMed below 0.00001.

Submission:

Labcorp Genetics (formerly Invitae), Labcorp
Classification: Pathogenic. Last evaluated: 2023-12-01. Review status: criteria provided, single submitter. Criteria: Invitae Variant Classification Sherloc (09022015). Collection method: clinical testing. Allele origin: germline.
Comment: This sequence change creates a premature translational stop signal (p.Glu18*) in the KCNJ1 gene. While this is not anticipated to result in nonsense mediated decay, it is expected to disrupt the last 374 amino acid(s) of the KCNJ1 protein. This variant is not present in population databases (gnomAD no frequency). This variant has not been reported in the literature in individuals affected with KCNJ1-related conditions. This variant disrupts a region of the KCNJ1 protein in which other variant(s) (p.His354Serfs*8) have been determined to be pathogenic (PMID: 11318951). This suggests that this is a clinically significant region of the protein, and that variants that disrupt it are likely to be disease-causing. For these reasons, this variant has been classified as Pathogenic.

Literature cited by the submitters: PubMed 11318951.